The following is an entry in ClinVar:

ClinVar aggregate classification (germline): Uncertain significance (1 of 4 stars; one submission).

Submission:

Labcorp Genetics (formerly Invitae), Labcorp
Classification: Uncertain significance. Last evaluated: 2020-08-25. Review status: criteria provided, single submitter. Criteria: Invitae Variant Classification Sherloc (09022015). Collection method: clinical testing. Allele origin: germline.
Comment: In summary, the available evidence is currently insufficient to determine the role of this variant in disease. Therefore, it has been classified as a Variant of Uncertain Significance. Algorithms developed to predict the effect of missense changes on protein structure and function are either unavailable or do not agree on the potential impact of this missense change (SIFT: "Deleterious"; PolyPhen-2: "Benign"; Align-GVGD: "Class C0"). This variant has not been reported in the literature in individuals with FH-related conditions. This variant is not present in population databases (ExAC no frequency). This sequence change replaces arginine with glycine at codon 421 of the FH protein (p.Arg421Gly). The arginine residue is highly conserved and there is a moderate physicochemical difference between arginine and glycine.

NM_000143.4(FH):c.1261A>G (p.Arg421Gly)

Gene: FH (fumarate hydratase; minus strand). Cytogenetic location: 1q43.
Variant type: single nucleotide variant.
Coding change: c.1261A>G on transcript NM_000143.4 (MANE Select); coding-DNA position 1261, A replaced by G.
Protein change: p.Arg421Gly; replaces arginine 421 with glycine.
Molecular consequence: missense variant.
Genome position (GRCh38, 1-based): chr1:241,500,566, T>C on the plus strand (A>G on the coding strand, the complement: FH is on the minus strand). VCF-style: chr1-241500566-T-C. GRCh37 (hg19) VCF-style: chr1-241663866-T-C.
Other names: short protein forms R421G.
Identifiers: ClinVar variation 1041697 (VCV001041697.9), dbSNP rs1659748055, ClinGen allele CA345436861.